The following is an entry in ClinVar:

ClinVar aggregate classification (germline): Uncertain significance (1 of 4 stars; one submission).

Allele frequency attached by ClinVar (database versions not stated): gnomAD exomes below 0.00001; ExAC 0.00001.
gnomAD v4.1: 3 of 1,612,748 alleles (0.00019%); highest among the groups gnomAD compares: Non-Finnish European, 0.00025%; no homozygotes.

Submission:

Labcorp Genetics (formerly Invitae), Labcorp
Classification: Uncertain significance. Last evaluated: 2022-04-28. Review status: criteria provided, single submitter. Criteria: Invitae Variant Classification Sherloc (09022015). Collection method: clinical testing. Allele origin: germline.
Comment: In summary, the available evidence is currently insufficient to determine the role of this variant in disease. Therefore, it has been classified as a Variant of Uncertain Significance. Variants that disrupt the consensus splice site are a relatively common cause of aberrant splicing (PMID: 17576681, 9536098). Algorithms developed to predict the effect of sequence changes on RNA splicing suggest that this variant is not likely to affect RNA splicing. This sequence change falls in intron 42 of the SI gene. It does not directly change the encoded amino acid sequence of the SI protein. It affects a nucleotide within the consensus splice site. This variant is not present in population databases (gnomAD no frequency). This variant has not been reported in the literature in individuals affected with SI-related conditions.

Literature cited by the submitters: PubMed 17576681; PubMed 9536098.

NM_001041.4(SI):c.4926+3A>G

Gene: SI (sucrase-isomaltase; minus strand). Cytogenetic location: 3q26.1.
Variant type: single nucleotide variant.
Coding change: c.4926+3A>G on transcript NM_001041.4 (MANE Select); 3 bases into the intron after coding-DNA position 4926, A replaced by G.
Molecular consequence: intron variant.
Genome position (GRCh38, 1-based): chr3:164,992,310, T>C on the plus strand (A>G on the coding strand, the complement: SI is on the minus strand). VCF-style: chr3-164992310-T-C. GRCh37 (hg19) VCF-style: chr3-164710098-T-C.
Identifiers: ClinVar variation 2187679 (VCV002187679.4), dbSNP rs781592411, ClinGen allele CA2689747.